The following is an entry in ClinVar:

NM_000395.3(CSF2RB):c.1604C>T (p.Ser535Leu)

Gene: CSF2RB (colony stimulating factor 2 receptor subunit beta; plus strand). Cytogenetic location: 22q12.3.
Variant type: single nucleotide variant.
Coding change: c.1604C>T on transcript NM_000395.3 (MANE Select); coding-DNA position 1604, C replaced by T.
Protein change: p.Ser535Leu; replaces serine 535 with leucine.
Molecular consequence: missense variant.
Genome position (GRCh38, 1-based): chr22:36,937,412, C>T. VCF-style: chr22-36937412-C-T. GRCh37 (hg19) VCF-style: chr22-37333454-C-T.
Other names: c.1622C>T, p.Ser541Leu (NM_001410827.1); short protein forms S541L, S535L.
Identifiers: ClinVar variation 2703821 (VCV002703821.3), dbSNP rs2518007817, ClinGen allele CA411409811.

ClinVar aggregate classification (germline): Uncertain significance (1 of 4 stars; one submission).

Submission:

Labcorp Genetics (formerly Invitae), Labcorp
Classification: Uncertain significance. Last evaluated: 2023-12-18. Review status: criteria provided, single submitter. Criteria: Invitae Variant Classification Sherloc (09022015). Collection method: clinical testing. Allele origin: germline.
Comment: This sequence change replaces serine, which is neutral and polar, with leucine, which is neutral and non-polar, at codon 535 of the CSF2RB protein (p.Ser535Leu). This variant is not present in population databases (gnomAD no frequency). This variant has not been reported in the literature in individuals affected with CSF2RB-related conditions. Advanced modeling of protein sequence and biophysical properties (such as structural, functional, and spatial information, amino acid conservation, physicochemical variation, residue mobility, and thermodynamic stability) performed at Invitae indicates that this missense variant is expected to disrupt CSF2RB protein function with a positive predictive value of 80%. In summary, the available evidence is currently insufficient to determine the role of this variant in disease. Therefore, it has been classified as a Variant of Uncertain Significance.